The following is an entry in ClinVar:

NM_181712.5(KANK4):c.488C>G (p.Ser163Cys)

Gene: KANK4 (KN motif and ankyrin repeat domains 4; minus strand). Cytogenetic location: 1p31.3.
Variant type: single nucleotide variant.
Coding change: c.488C>G on transcript NM_181712.5 (MANE Select); coding-DNA position 488, C replaced by G.
Protein change: p.Ser163Cys; replaces serine 163 with cysteine.
Molecular consequence: missense variant. On other transcripts: intron variant (1).
Genome position (GRCh38, 1-based): chr1:62,274,616, G>C on the plus strand (C>G on the coding strand, the complement: KANK4 is on the minus strand). VCF-style: chr1-62274616-G-C. GRCh37 (hg19) VCF-style: chr1-62740288-G-C.
Other names: c.17-3027C>G (NM_001320269.2); short protein forms S163C.
Identifiers: ClinVar variation 2992708 (VCV002992708.3), dbSNP rs1672262430, ClinGen allele CA340623159.
Genomic context (GRCh38, chr1:62,274,616, plus strand): 5'-CCCAGGCTCAGGCCTGGCTCCTCAGAAGCCCTGCTGTGCAGCAGCGTGGCAGGCATGCTG[G>C]ATGCTCTCAAGAGCTGGGGCCGTCCACTCCCAAAAGTGAGCTCGGCATCCTCTGGCTCAG-3'
Protein context (NP_859063.3, residues 153-173): GSGRPQLLRA[Ser163Cys]SMPATLLHSR

ClinVar aggregate classification (germline): Uncertain significance (1 of 4 stars; one submission).

Allele frequency attached by ClinVar (database versions not stated): gnomAD exomes 0.00001.
gnomAD v4.1: 18 of 1,614,140 alleles (0.0011%); highest among the groups gnomAD compares: Non-Finnish European, 0.0015%; no homozygotes.

Submission:

Labcorp Genetics (formerly Invitae), Labcorp
Classification: Uncertain significance. Last evaluated: 2023-03-24. Review status: criteria provided, single submitter. Criteria: Invitae Variant Classification Sherloc (09022015). Collection method: clinical testing. Allele origin: germline.
Comment: This sequence change replaces serine, which is neutral and polar, with cysteine, which is neutral and slightly polar, at codon 163 of the KANK4 protein (p.Ser163Cys). This variant is not present in population databases (gnomAD no frequency). This variant has not been reported in the literature in individuals affected with KANK4-related conditions. An algorithm developed to predict the effect of missense changes on protein structure and function (PolyPhen-2) suggests that this variant is likely to be disruptive. In summary, the available evidence is currently insufficient to determine the role of this variant in disease. Therefore, it has been classified as a Variant of Uncertain Significance.